The following is an entry in ClinVar:

NM_001365536.1(SCN9A):c.1958C>T (p.Ala653Val)

Genes: SCN1A-AS1 (SCN1A and SCN9A antisense RNA 1; plus strand), SCN9A (sodium voltage-gated channel alpha subunit 9; minus strand). Cytogenetic location: 2q24.3.
Variant type: single nucleotide variant.
Coding change: c.1958C>T on transcript NM_001365536.1 (MANE Select); coding-DNA position 1958, C replaced by T.
Protein change: p.Ala653Val; replaces alanine 653 with valine.
Molecular consequence: missense variant. On other transcripts: intron variant (1).
Genome position (GRCh38, 1-based): chr2:166,284,469, G>A on the plus strand (C>T on the coding strand, the complement: SCN9A is on the minus strand). VCF-style: chr2-166284469-G-A. GRCh37 (hg19) VCF-style: chr2-167140979-G-A.
Other names: c.1941+17C>T (NM_002977.4); short protein forms A653V.
Identifiers: ClinVar variation 2197283 (VCV002197283.4), dbSNP rs778279898, ClinGen allele CA59799222.

ClinVar aggregate classification (germline): Uncertain significance (1 of 4 stars; one submission).

Conditions:
Neuropathy, hereditary sensory and autonomic, type 2A (HSAN2A). Also called: HSAN IIA; MORVAN DISEASE; NEUROPATHY, CONGENITAL SENSORY; NEUROPATHY, HEREDITARY SENSORY RADICULAR, AUTOSOMAL RECESSIVE; NEUROPATHY, HEREDITARY SENSORY, TYPE IIA; NEUROPATHY, PROGRESSIVE SENSORY, OF CHILDREN. Identifiers: Orphanet 970, MedGen C2752089, MONDO:0024309, OMIM 201300.
Generalized epilepsy with febrile seizures plus, type 7 (GEFSP7). Also called: GEFS+, TYPE 7. Identifiers: Orphanet 36387, MedGen C2751778, MONDO:0013470, OMIM 613863.

Allele frequency attached by ClinVar (database versions not stated): TOPMed below 0.00001; gnomAD 0.00001.
gnomAD v4.1: 1 of 1,612,982 alleles (0.000062%); highest among the groups gnomAD compares: Non-Finnish European, 0.000085%; no homozygotes.

Submission:

Labcorp Genetics (formerly Invitae), Labcorp
Classification: Uncertain significance for Neuropathy, hereditary sensory and autonomic, type 2A; Generalized epilepsy with febrile seizures plus, type 7. Last evaluated: 2022-03-16. Review status: criteria provided, single submitter. Criteria: Invitae Variant Classification Sherloc (09022015). Collection method: clinical testing. Allele origin: germline.
Comment: In summary, the available evidence is currently insufficient to determine the role of this variant in disease. Therefore, it has been classified as a Variant of Uncertain Significance. Algorithms developed to predict the effect of sequence changes on RNA splicing suggest that this variant may disrupt the consensus splice site. This variant has not been reported in the literature in individuals affected with SCN9A-related conditions. This variant is not present in population databases (gnomAD no frequency). This sequence change falls in intron 12 of the SCN9A gene. It does not directly change the encoded amino acid sequence of the SCN9A protein.